The following is an entry in ClinVar:

ClinVar aggregate classification (germline): Conflicting classifications of pathogenicity. Review status: criteria provided, conflicting classifications (1 of 4 stars). 4 submissions from 3 submitters: Uncertain significance (2); Benign (1); Likely benign (1). Last evaluated 2026-01-06.

Conditions:
Leber congenital amaurosis 6 (LCA6). Identifiers: Orphanet 65, MedGen C1854260, MONDO:0013446, OMIM 613826.
Cone-rod dystrophy 13 (CORD13). Identifiers: Orphanet 1872, MedGen C2750720, MONDO:0011987, OMIM 608194.

Allele frequency attached by ClinVar (database versions not stated): gnomAD 0.00003; TOPMed 0.00005; 1000 Genomes Project 0.00140; ExAC 0.00144; 1000 Genomes Project 30x 0.00156.
gnomAD v4.1: 587 of 1,591,356 alleles (0.037%); highest among the groups gnomAD compares: South Asian, 0.57%; 6 homozygotes.

Submissions (4):

Labcorp Genetics (formerly Invitae), Labcorp
Classification: Benign for Leber congenital amaurosis 6; Cone-rod dystrophy 13. Last evaluated: 2026-01-06. Review status: criteria provided, single submitter. Criteria: Invitae Variant Classification Sherloc (09022015). Collection method: clinical testing. Allele origin: germline.

CeGaT Center for Human Genetics Tuebingen
Classification: Likely benign. Last evaluated: 2022-09-01. Review status: criteria provided, single submitter. Criteria: CeGaT Center For Human Genetics Tuebingen Variant Classification Criteria Version 2. Collection method: clinical testing. Allele origin: germline. Affected: yes. Observed: 2 variant alleles.
Comment: RPGRIP1: BP4, BP7

Illumina Laboratory Services, Illumina
Classification: Uncertain significance for Cone-rod dystrophy 13. Last evaluated: 2018-01-13. Review status: criteria provided, single submitter. Criteria: ICSL Variant Classification Criteria 13 December 2019. Collection method: clinical testing. Allele origin: germline.

Illumina Laboratory Services, Illumina
Classification: Uncertain significance for Leber congenital amaurosis 6. Last evaluated: 2018-01-13. Review status: criteria provided, single submitter. Criteria: ICSL Variant Classification Criteria 13 December 2019. Collection method: clinical testing. Allele origin: germline.

NM_020366.4(RPGRIP1):c.1197C>T (p.Asn399=)

Gene: RPGRIP1 (RPGR interacting protein 1; plus strand). Cytogenetic location: 14q11.2.
Variant type: single nucleotide variant.
Coding change: c.1197C>T on transcript NM_020366.4 (MANE Select); coding-DNA position 1197, C replaced by T.
Protein change: p.Asn399=; no amino-acid change (asparagine 399 retained).
Molecular consequence: synonymous variant.
Genome position (GRCh38, 1-based): chr14:21,317,741, C>T. VCF-style: chr14-21317741-C-T. GRCh37 (hg19) VCF-style: chr14-21785900-C-T.
Other names: c.123C>T, p.Asn41= (NM_001377523.1, NM_001377948.1, NM_001377949.1 and 1 more transcripts).
Identifiers: ClinVar variation 312787 (VCV000312787.56), dbSNP rs372186092, ClinGen allele CA7088903.